The following is an entry in ClinVar:

ClinVar aggregate classification (germline): Uncertain significance (0 of 4 stars; one submission).

Conditions:
ANXA11-related disorder. Also called: ANXA11-related condition.

gnomAD v4.1: 1 of 1,550,814 alleles (0.000064%); highest among the groups gnomAD compares: South Asian, 0.0013%; no homozygotes.

Submission:

PreventionGenetics, part of Exact Sciences
Classification: Uncertain significance for ANXA11-related condition. Last evaluated: 2024-03-20. Review status: no assertion criteria provided. Collection method: clinical testing. Allele origin: germline.
Comment: The ANXA11 c.394C>T variant is predicted to result in the amino acid substitution p.Pro132Ser. To our knowledge, this variant has not been reported in the literature or in a large population database, indicating this variant is rare. At this time, the clinical significance of this variant is uncertain due to the absence of conclusive functional and genetic evidence.

NM_145868.2(ANXA11):c.394C>T (p.Pro132Ser)

Gene: ANXA11 (annexin A11; minus strand). Cytogenetic location: 10q22.3.
Variant type: single nucleotide variant.
Coding change: c.394C>T on transcript NM_145868.2 (MANE Select); coding-DNA position 394, C replaced by T.
Protein change: p.Pro132Ser; replaces proline 132 with serine.
Molecular consequence: missense variant.
Genome position (GRCh38, 1-based): chr10:80,169,136, G>A on the plus strand (C>T on the coding strand, the complement: ANXA11 is on the minus strand). VCF-style: chr10-80169136-G-A. GRCh37 (hg19) VCF-style: chr10-81928892-G-A.
Other names: c.394C>T, p.Pro132Ser (NM_001157.3, NM_001278407.2, NM_001278408.2 and 1 more transcripts); c.295C>T, p.Pro99Ser (NM_001278409.2); short protein forms P132S, P99S.
Identifiers: ClinVar variation 3348722 (VCV003348722.1).